The following is an entry in ClinVar:

ClinVar aggregate classification (germline): Uncertain significance (1 of 4 stars; one submission).

Submission:

CeGaT Center for Human Genetics Tuebingen
Classification: Uncertain significance. Last evaluated: 2022-10-01. Review status: criteria provided, single submitter. Criteria: CeGaT Center For Human Genetics Tuebingen Variant Classification Criteria Version 2. Collection method: clinical testing. Allele origin: germline. Affected: yes. Observed: 1 variant allele.
Comment: RBM33: PM2

NM_053043.3(RBM33):c.1847_1848insCCCCCCCCCCCCCCCCCCC (p.Gln618fs)

Gene: RBM33 (RNA binding motif protein 33; plus strand). Cytogenetic location: 7q36.3.
Variant type: Insertion.
Coding change: c.1847_1848insCCCCCCCCCCCCCCCCCCC on transcript NM_053043.3 (MANE Select); coding-DNA positions 1847 to 1848, CCCCCCCCCCCCCCCCCCC inserted.
Protein change: p.Gln618fs; shifts the reading frame from glutamine 618.
Molecular consequence: frameshift variant.
Genome position: GRCh38 VCF-style: chr7-155739819-G-GCCCCCCCCCCCCCCCCCCC. GRCh37 (hg19) VCF-style: chr7-155532513-G-GCCCCCCCCCCCCCCCCCCC.
Other names: short protein forms Q618fs.
Identifiers: ClinVar variation 2658278 (VCV002658278.24), dbSNP rs2535808004, ClinGen allele CA2695199650.